The following is an entry in ClinVar:

ClinVar aggregate classification (germline): Pathogenic (1 of 4 stars; one submission).

Conditions:
Zellweger spectrum disorders (ZS). Also called: Zellweger Spectrum Disorder (ZSD); Zellweger syndrome; Zellweger Spectrum Disorder; Zellweger Spectrum. Identifiers: Orphanet 912, MedGen C0043459, MONDO:0019609.

Allele frequency attached by ClinVar (database versions not stated): gnomAD exomes below 0.00001.
gnomAD v4.1: 1 of 1,613,762 alleles (0.000062%); highest among the groups gnomAD compares: South Asian, 0.0011%; no homozygotes.

Submission:

Labcorp Genetics (formerly Invitae), Labcorp
Classification: Pathogenic for Zellweger spectrum disorders. Last evaluated: 2022-03-02. Review status: criteria provided, single submitter. Criteria: Invitae Variant Classification Sherloc (09022015). Collection method: clinical testing. Allele origin: germline.
Comment: For these reasons, this variant has been classified as Pathogenic. This variant has not been reported in the literature in individuals affected with PEX1-related conditions. This variant is not present in population databases (gnomAD no frequency). This sequence change creates a premature translational stop signal (p.Leu721*) in the PEX1 gene. It is expected to result in an absent or disrupted protein product. Loss-of-function variants in PEX1 are known to be pathogenic (PMID: 9398847, 16086329, 16141001, 21031596, 26387595, 31831025).

Literature cited by the submitters: PubMed 9398847; PubMed 16086329; PubMed 16141001; PubMed 21031596; PubMed 26387595; PubMed 31831025.

NM_000466.3(PEX1):c.2162T>A (p.Leu721Ter)

Gene: PEX1 (peroxisomal biogenesis factor 1; minus strand). Cytogenetic location: 7q21.2.
Variant type: single nucleotide variant.
Coding change: c.2162T>A on transcript NM_000466.3 (MANE Select); coding-DNA position 2162, T replaced by A.
Protein change: p.Leu721Ter; replaces leucine 721 with a stop codon.
Molecular consequence: nonsense.
Genome position (GRCh38, 1-based): chr7:92,503,105, A>T on the plus strand (T>A on the coding strand, the complement: PEX1 is on the minus strand). VCF-style: chr7-92503105-A-T. GRCh37 (hg19) VCF-style: chr7-92132419-A-T.
Other names: c.1991T>A, p.Leu664Ter (NM_001282677.2); c.1538T>A, p.Leu513Ter (NM_001282678.2); short protein forms L513*, L664*, L721*.
Identifiers: ClinVar variation 1404606 (VCV001404606.6), dbSNP rs1792013985, ClinGen allele CA368181595.